The following is an entry in ClinVar:

ClinVar aggregate classification (germline): Likely benign (1 of 4 stars; one submission).

Allele frequency attached by ClinVar (database versions not stated): ExAC 0.00003; ESP Exome Variant Server 0.00585.

Submission:

CeGaT Center for Human Genetics Tuebingen
Classification: Likely benign. Last evaluated: 2025-09-01. Review status: criteria provided, single submitter. Criteria: CeGaT Center For Human Genetics Tuebingen Variant Classification Criteria Version 2. Collection method: clinical testing. Allele origin: germline. Affected: yes. Observed: 3 variant alleles.
Comment: PLIN4: BP4, BP7

NM_001367868.2(PLIN4):c.999C>T (p.Thr333=)

Gene: PLIN4 (perilipin 4; minus strand). Cytogenetic location: 19p13.3.
Variant type: single nucleotide variant.
Coding change: c.999C>T on transcript NM_001367868.2 (MANE Select); coding-DNA position 999, C replaced by T.
Protein change: p.Thr333=; no amino-acid change (threonine 333 retained).
Molecular consequence: synonymous variant.
Genome position (GRCh38, 1-based): chr19:4,512,961, G>A on the plus strand (C>T on the coding strand, the complement: PLIN4 is on the minus strand). VCF-style: chr19-4512961-G-A. GRCh37 (hg19) VCF-style: chr19-4512973-G-A.
Other names: c.1002C>T, p.Thr334= (NM_001393888.1, NM_001393889.1); c.999C>T, p.Thr333= (NM_001393890.1, NM_001393891.1).
Identifiers: ClinVar variation 2649057 (VCV002649057.24), dbSNP rs374697334, ClinGen allele CA9100926.